The following is an entry in ClinVar:

NM_183050.4(BCKDHB):c.51A>C (p.Ala17=)

Gene: BCKDHB (branched chain keto acid dehydrogenase E1 subunit beta; plus strand). Cytogenetic location: 6q14.1.
Variant type: single nucleotide variant.
Coding change: c.51A>C on transcript NM_183050.4 (MANE Select); coding-DNA position 51, A replaced by C.
Protein change: p.Ala17=; no amino-acid change (alanine 17 retained).
Molecular consequence: synonymous variant. On other transcripts: non-coding transcript variant (1), intron variant (1).
Genome position (GRCh38, 1-based): chr6:80,106,744, A>C. VCF-style: chr6-80106744-A-C. GRCh37 (hg19) VCF-style: chr6-80816461-A-C.
Other names: c.51A>C, p.Ala17= (NM_000056.5); c.-15+61A>C (NM_001318975.1).
Identifiers: ClinVar variation 281334 (VCV000281334.22), dbSNP rs376293687, ClinGen allele CA3902485.

ClinVar aggregate classification (germline): Conflicting classifications of pathogenicity. Review status: criteria provided, conflicting classifications (1 of 4 stars). 6 submissions from 6 submitters: Uncertain significance (2); Benign (1); Likely benign (2). 1 of the submissions does not count toward it. Last evaluated 2026-01-13.

Conditions:
Maple syrup urine disease type 1B (MSUD1B). Also called: MSUD type IB; MSUD type 3 (formerly); MSUD due to deficiency of e1-beta subunit of branched-chain alpha-keto acid dehydrogenase complex. Identifiers: MedGen C2930990, MONDO:0023692, OMIM 620698.
Maple syrup urine disease (MSUD). Identifiers: Orphanet 511, MedGen C0024776, MeSH D008375, MONDO:0009563. Disease mechanism: loss of function.

Allele frequency attached by ClinVar (database versions not stated): ESP Exome Variant Server 0.00041; 1000 Genomes Project 30x 0.00125; TOPMed 0.00073; 1000 Genomes Project 0.00100.
gnomAD v4.1: 227 of 1,567,308 alleles (0.014%); highest among the groups gnomAD compares: African/African-American, 0.26%; 1 homozygote.

Submissions (6):

Labcorp Genetics (formerly Invitae), Labcorp
Classification: Benign for Maple syrup urine disease. Last evaluated: 2026-01-13. Review status: criteria provided, single submitter. Criteria: Invitae Variant Classification Sherloc (09022015). Collection method: clinical testing. Allele origin: germline.

Genome-Nilou Lab
Classification: Likely benign for Maple syrup urine disease type 1A. Last evaluated: 2021-11-07. Review status: criteria provided, single submitter. Criteria: ACMG Guidelines, 2015. Collection method: clinical testing. Allele origin: germline. Affected: no.

GeneDx
Classification: Likely benign. Last evaluated: 2018-04-17. Review status: criteria provided, single submitter. Criteria: GeneDx Variant Classification (06012015). Collection method: clinical testing. Allele origin: germline. Affected: yes.
Comment: This variant is considered likely benign or benign based on one or more of the following criteria: it is a conservative change, it occurs at a poorly conserved position in the protein, it is predicted to be benign by multiple in silico algorithms, and/or has population frequency not consistent with disease.

Illumina Laboratory Services, Illumina
Classification: Uncertain significance for Maple syrup urine disease type 1A. Last evaluated: 2018-01-13. Review status: criteria provided, single submitter. Criteria: ICSL Variant Classification Criteria 13 December 2019. Collection method: clinical testing. Allele origin: germline.

Eurofins Ntd Llc (ga)
Classification: Uncertain significance. Last evaluated: 2015-06-10. Review status: criteria provided, single submitter. Criteria: EGL Classification Definitions 2015. Collection method: clinical testing. Allele origin: germline. Observed: 1 variant allele, 1 heterozygote.

Natera, Inc.
Classification: Likely benign for Maple syrup urine disease type 1B. Last evaluated: 2019-10-24. Review status: no assertion criteria provided. Collection method: clinical testing. Allele origin: germline. Not counted in ClinVar's aggregate classification.